The following is an entry in ClinVar:

ClinVar aggregate classification (germline): Pathogenic. Review status: criteria provided, multiple submitters, no conflicts (2 of 4 stars). 3 submissions from 3 submitters: Pathogenic (3). Last evaluated 2025-03-31.

Conditions:
Anhidrotic ectodermal dysplasia. Identifiers: MedGen C1706004, HP:0007476.
EDA-related disorder. Also called: EDA-related disorders; EDA-related condition.
Hypohidrotic X-linked ectodermal dysplasia (XHED). Also called: ECTODERMAL DYSPLASIA, HYPOHIDROTIC, 1; CST SYNDROME; Ectodermal Dysplasia 1, Anhidrotic; ECTODERMAL DYSPLASIA 1; Christ-Siemans-Touraine syndrome; Anhidrotic ectodermal dysplasia X-linked. Identifiers: Orphanet 181, Orphanet 238468, MedGen C0162359, MONDO:0010585, OMIM 305100.

Submissions (3):

Women's Health and Genetics/Laboratory Corporation of America, LabCorp
Classification: Pathogenic for Anhidrotic ectodermal dysplasia. Last evaluated: 2025-03-31. Review status: criteria provided, single submitter. Criteria: LabCorp Variant Classification Summary - May 2015. Collection method: clinical testing. Allele origin: germline.
Comment: Variant summary: EDA c.167T>C (p.Leu56Pro) results in a non-conservative amino acid change in the encoded protein sequence. Four of five in-silico tools predict a damaging effect of the variant on protein function. The variant was absent in 182933 control chromosomes. c.167T>C has been reported in the literature as hemizygous genotype in multiple individuals in a single family affected with Hypohidrotic Ectodermal Dysplasia (Pozo-Molina_2015). These data indicate that the variant is very likely to be associated with disease. To our knowledge, no experimental evidence demonstrating an impact on protein function has been reported. The following publication have been ascertained in the context of this evaluation (PMID: 25626993). ClinVar contains an entry for this variant (Variation ID: 3376738). Based on the evidence outlined above, the variant was classified as pathogenic.

Blueprint Genetics
Classification: Pathogenic for EDA-related disorders. Last evaluated: 2023-11-02. Review status: criteria provided, single submitter. Criteria: ACMG Guidelines, 2015. Collection method: clinical testing. Allele origin: germline. Affected: yes. Observed: 4 variant alleles.

Victorian Clinical Genetics Services, Murdoch Childrens Research Institute
Classification: Pathogenic for Hypohidrotic X-linked ectodermal dysplasia. Last evaluated: 2023-07-17. Review status: criteria provided, single submitter. Criteria: ACMG Guidelines, 2015. Collection method: clinical testing. Allele origin: germline. Inheritance: X-linked recessive inheritance. Affected: yes.
Comment: Based on the classification scheme VCGS_Germline_v1.3.4, this variant is classified as Pathogenic. Following criteria are met: 0102 - Loss of function is a known mechanism of disease in this gene and is associated with X-linked recessive ectodermal dysplasia 1, hypohidrotic (HED; MIM#305100) and X-linked dominant tooth agenesis, selective 1 (TA; MIM#313500). (I) 0108 - This gene is associated with both X-linked recessive and dominant disease. Female carriers of variants causing either condition may be normal or mildly affected, depending on skewed X-inactivation (PMID: 18510547, PMID: 16583127). (I) 0200 - Variant is predicted to result in a missense amino acid change from leucine to proline. (I) 0253 - This variant is hemizygous. (I) 0301 - Variant is absent from gnomAD (both v2 and v3). (SP) 0502 - Missense variant with conflicting in silico predictions and uninformative conservation. (I) 0600 - Variant is located in the annotated transmembrane domain (PMID: 34817077). (I) 0705 - No comparable missense variants have previous evidence for pathogenicity. However, another missense variant with a higher Grantham score (p.(Leu56Gln)) has been reported as pathogenic, and observed in a hemizygous individual with tooth agenesis and hypohidrotic ectodermal dysplasia (ClinVar, PMID: 36071541). (I) 0803 - This variant has limited previous evidence of pathogenicity in an unrelated individual. This variant has been reported in an extensive family with ectodermal dysplasia (PMID: 25626993). (SP) 0901 - This variant has strong evidence for segregation with disease. This variant was observed in seven hemizygous affected individuals from a single family (PMID: 25626993). (SP) 1007 - No published functional evidence has been identified for this variant. (I) 1102 - Strong phenotype match for this individual. (SP) 1208 - Inheritance information for this variant is not currently available in this individual. (I) Legend: (SP) - Supporting pathogenic, (I) - Information, (SB) - Supporting benign

Literature cited by the submitters: PubMed 25626993 (cited by Women's Health and Genetics/Laboratory Corporation of America, LabCorp and Victorian Clinical Genetics Services, Murdoch Childrens Research Institute); PubMed 16583127 (cited by Victorian Clinical Genetics Services, Murdoch Childrens Research Institute); PubMed 18510547 (cited by Victorian Clinical Genetics Services, Murdoch Childrens Research Institute); PubMed 34817077 (cited by Victorian Clinical Genetics Services, Murdoch Childrens Research Institute); PubMed 36071541 (cited by Victorian Clinical Genetics Services, Murdoch Childrens Research Institute).

NM_001399.5(EDA):c.167T>C (p.Leu56Pro)

Gene: EDA (ectodysplasin A; plus strand). Cytogenetic location: Xq13.1.
Variant type: single nucleotide variant.
Coding change: c.167T>C on transcript NM_001399.5 (MANE Select); coding-DNA position 167, T replaced by C.
Protein change: p.Leu56Pro; replaces leucine 56 with proline.
Molecular consequence: missense variant.
Genome position (GRCh38, 1-based): chrX:69,616,475, T>C. VCF-style: chrX-69616475-T-C. GRCh37 (hg19) VCF-style: chrX-68836319-T-C.
Other names: c.167T>C, p.Leu56Pro (NM_001005609.2, NM_001005610.4, NM_001005612.3 and 1 more transcripts); short protein forms L56P.
Identifiers: ClinVar variation 3376738 (VCV003376738.3).